The following is an entry in ClinVar:

ClinVar aggregate classification (germline): Uncertain significance (1 of 4 stars; one submission).

Conditions:
Charcot-Marie-Tooth disease type 2R. Also called: Charcot-Marie-Tooth disease, axonal, type 2R; CHARCOT-MARIE-TOOTH NEUROPATHY, TYPE 2R; CHARCOT-MARIE-TOOTH DISEASE, AXONAL, AUTOSOMAL RECESSIVE, TYPE 2R. Identifiers: Orphanet 397968, MedGen C3809655, MONDO:0014208, OMIM 615490.

Allele frequency attached by ClinVar (database versions not stated): TOPMed 0.00002; gnomAD exomes below 0.00001 and 0.00001; gnomAD 0.00001.
gnomAD v4.1: 17 of 1,609,280 alleles (0.0011%); highest among the groups gnomAD compares: Admixed American, 0.0017%; no homozygotes.

Submission:

Labcorp Genetics (formerly Invitae), Labcorp
Classification: Uncertain significance for Charcot-Marie-Tooth disease type 2R. Last evaluated: 2021-03-17. Review status: criteria provided, single submitter. Criteria: Invitae Variant Classification Sherloc (09022015). Collection method: clinical testing. Allele origin: germline.
Comment: In summary, the available evidence is currently insufficient to determine the role of this variant in disease. Therefore, it has been classified as a Variant of Uncertain Significance. Algorithms developed to predict the effect of missense changes on protein structure and function are either unavailable or do not agree on the potential impact of this missense change (SIFT: "Deleterious"; PolyPhen-2: "Probably Damaging"; Align-GVGD: "Class C0"). This variant has not been reported in the literature in individuals with TRIM2-related conditions. This variant is not present in population databases (ExAC no frequency). This sequence change replaces arginine with histidine at codon 437 of the TRIM2 protein (p.Arg437His). The arginine residue is highly conserved and there is a small physicochemical difference between arginine and histidine.

NM_015271.5(TRIM2):c.1391G>A (p.Arg464His)

Gene: TRIM2 (tripartite motif containing 2; plus strand). Cytogenetic location: 4q31.3.
Variant type: single nucleotide variant.
Coding change: c.1391G>A on transcript NM_015271.5 (MANE Select); coding-DNA position 1391, G replaced by A.
Protein change: p.Arg464His; replaces arginine 464 with histidine.
Molecular consequence: missense variant.
Genome position (GRCh38, 1-based): chr4:153,295,917, G>A. VCF-style: chr4-153295917-G-A. GRCh37 (hg19) VCF-style: chr4-154217069-G-A.
Other names: c.1310G>A, p.Arg437His (NM_001130067.2, NM_001351056.2, NM_001375512.1 and 5 more transcripts); c.1364G>A, p.Arg455His (NM_001351054.2); c.1361G>A, p.Arg454His (NM_001351055.2); c.935G>A, p.Arg312His (NM_001351057.2); c.1484G>A, p.Arg495His (NM_001375488.1); c.1481G>A, p.Arg494His (NM_001375489.1); c.1334G>A, p.Arg445His (NM_001375490.1); c.1331G>A, p.Arg444His (NM_001375491.1); and 3 more; short protein forms R351H, R494H, R312H, R454H, R353H, R437H, R455H, R352H.
Identifiers: ClinVar variation 1364772 (VCV001364772.8), dbSNP rs1235210272, ClinGen allele CA358473611.